The following is an entry in ClinVar:

ClinVar aggregate classification (germline): Uncertain significance (1 of 4 stars; one submission).

Submission:

Greenwood Genetic Center Diagnostic Laboratories, Greenwood Genetic Center
Classification: Uncertain significance. Last evaluated: 2024-07-30. Review status: criteria provided, single submitter. Criteria: ACMG Guidelines, 2015. Collection method: clinical testing. Allele origin: germline. Affected: yes.
Comment: PM2, BP7

NM_003470.3(USP7):c.2214T>C (p.Val738=)

Gene: USP7 (ubiquitin specific peptidase 7; minus strand). Cytogenetic location: 16p13.2.
Variant type: single nucleotide variant.
Coding change: c.2214T>C on transcript NM_003470.3 (MANE Select); coding-DNA position 2214, T replaced by C.
Protein change: p.Val738=; no amino-acid change (valine 738 retained).
Molecular consequence: synonymous variant. On other transcripts: non-coding transcript variant (1).
Genome position (GRCh38, 1-based): chr16:8,900,625, A>G on the plus strand (T>C on the coding strand, the complement: USP7 is on the minus strand). VCF-style: chr16-8900625-A-G. GRCh37 (hg19) VCF-style: chr16-8994482-A-G.
Other names: c.2166T>C, p.Val722= (NM_001286457.2); c.1917T>C, p.Val639= (NM_001286458.2); c.2040T>C, p.Val680= (NM_001321858.2).
Identifiers: ClinVar variation 3765875 (VCV003765875.1).
Genomic context (GRCh38, chr16:8,900,625, plus strand): 5'-ATCAAGGGCTTTATCAAGAGACACGTCATAGTCCTGAATTCTCTCTGTTAAATTCGGTTT[A>G]ACTTCCTACAGTGAAAGATATAAAATTGTTACACTGCAAGTTTGTCTAACGTTTAATATG-3'
Protein context (NP_003461.2, residues 728-748): QDTSLILYEE[Val738=]KPNLTERIQD